The following is an entry in ClinVar:

NM_005751.5(AKAP9):c.11231G>C (p.Gly3744Ala)

Gene: AKAP9 (A-kinase anchoring protein 9; plus strand). Cytogenetic location: 7q21.2.
Variant type: single nucleotide variant.
Coding change: c.11231G>C on transcript NM_005751.5 (MANE Select); coding-DNA position 11231, G replaced by C.
Protein change: p.Gly3744Ala; replaces glycine 3744 with alanine.
Molecular consequence: missense variant.
Genome position (GRCh38, 1-based): chr7:92,102,727, G>C. VCF-style: chr7-92102727-G-C. GRCh37 (hg19) VCF-style: chr7-91732041-G-C.
Other names: c.5876G>C, p.Gly1959Ala (NM_001379277.1); c.11207G>C, p.Gly3736Ala (NM_147185.3); short protein forms G1959A, G3736A, G3744A.
Identifiers: ClinVar variation 1015297 (VCV001015297.9), dbSNP rs148318643, ClinGen allele CA4338119.

ClinVar aggregate classification (germline): Conflicting classifications of pathogenicity. Review status: criteria provided, conflicting classifications (1 of 4 stars). 3 submissions from 3 submitters: Uncertain significance (2); Likely benign (1). Last evaluated 2026-01-11.

Conditions:
Cardiovascular phenotype. Identifiers: MedGen CN230736.
Long QT syndrome (LQTS). Identifiers: MedGen C0023976, MeSH D008133, MONDO:0002442. Disease mechanism: loss of function. Inheritance: Various modes of inheritance.
Long QT syndrome 11 (LQT11). Identifiers: Orphanet 101016, Orphanet 768, MedGen C2678483, MONDO:0012738, OMIM 611820.

Allele frequency attached by ClinVar (database versions not stated): TOPMed 0.00002; ESP Exome Variant Server 0.00008.
gnomAD v4.1: 90 of 1,614,094 alleles (0.0056%); highest among the groups gnomAD compares: Middle Eastern, 0.033%; no homozygotes.

Submissions (3):

Labcorp Genetics (formerly Invitae), Labcorp
Classification: Uncertain significance for Long QT syndrome. Last evaluated: 2026-01-11. Review status: criteria provided, single submitter. Criteria: Invitae Variant Classification Sherloc (09022015). Collection method: clinical testing. Allele origin: germline.
Comment: This sequence change replaces glycine, which is neutral and non-polar, with alanine, which is neutral and non-polar, at codon 3744 of the AKAP9 protein (p.Gly3744Ala). This variant is present in population databases (rs148318643, gnomAD 0.04%). This missense change has been observed in individual(s) with clinical features of AKAP9-related conditions (PMID: 31534214). ClinVar contains an entry for this variant (Variation ID: 1015297). An algorithm developed to predict the effect of missense changes on protein structure and function (PolyPhen-2) suggests that this variant is likely to be disruptive. In summary, the available evidence is currently insufficient to determine the role of this variant in disease. Therefore, it has been classified as a Variant of Uncertain Significance.

Ambry Genetics
Classification: Likely benign for Cardiovascular phenotype. Last evaluated: 2023-11-28. Review status: criteria provided, single submitter. Criteria: Ambry Variant Classification Scheme 2023. Collection method: clinical testing. Allele origin: germline.

Fulgent Genetics
Classification: Uncertain significance for Long QT syndrome 11. Last evaluated: 2021-09-29. Review status: criteria provided, single submitter. Criteria: ACMG Guidelines, 2015. Collection method: clinical testing. Allele origin: unknown.

Literature cited by the submitters: PubMed 31534214 (cited by Labcorp Genetics (formerly Invitae), Labcorp and Ambry Genetics); PubMed 29641532 (cited by Ambry Genetics).